The following is an entry in ClinVar:

NM_000059.4(BRCA2):c.631+15T>A

Gene: BRCA2 (BRCA2 DNA repair associated; plus strand). Cytogenetic location: 13q13.1.
Variant type: single nucleotide variant.
Coding change: c.631+15T>A on transcript NM_000059.4 (MANE Select); 15 bases into the intron after coding-DNA position 631, T replaced by A.
Molecular consequence: intron variant.
Genome position (GRCh38, 1-based): chr13:32,326,628, T>A. VCF-style: chr13-32326628-T-A. GRCh37 (hg19) VCF-style: chr13-32900765-T-A.
Identifiers: ClinVar variation 516900 (VCV000516900.12), dbSNP rs1172653825, ClinGen allele CA609453834.

ClinVar aggregate classification (germline): Likely benign. Review status: criteria provided, multiple submitters, no conflicts (2 of 4 stars). 2 submissions from 2 submitters: Likely benign (2). Last evaluated 2025-08-04.

Conditions:
Hereditary breast ovarian cancer syndrome. Also called: Hereditary breast and ovarian cancer syndrome (HBOC); Hereditary breast and ovarian cancer; Hereditary breast and ovarian cancer syndrome; Breast and ovarian cancer; BRCA1- and BRCA2-Associated Hereditary Breast and Ovarian Cancer; Hereditary breast and/or ovarian cancer syndrome. Identifiers: Orphanet 145, MedGen C0677776, MeSH D061325, MONDO:0003582. Disease mechanism: loss of function.

Allele frequency attached by ClinVar (database versions not stated): gnomAD 0.00001.
gnomAD v4.1: 2 of 1,547,660 alleles (0.00013%); highest among the groups gnomAD compares: African/African-American, 0.0027%; no homozygotes.

Submissions (2):

Labcorp Genetics (formerly Invitae), Labcorp
Classification: Likely benign for Hereditary breast ovarian cancer syndrome. Last evaluated: 2025-08-04. Review status: criteria provided, single submitter. Criteria: Invitae Variant Classification Sherloc (09022015). Collection method: clinical testing. Allele origin: germline.

GeneDx
Classification: Likely benign. Last evaluated: 2017-02-20. Review status: criteria provided, single submitter. Criteria: GeneDx Variant Classification (06012015). Collection method: clinical testing. Allele origin: germline. Affected: yes.
Comment: This variant is considered likely benign or benign based on one or more of the following criteria: it is a conservative change, it occurs at a poorly conserved position in the protein, it is predicted to be benign by multiple in silico algorithms, and/or has population frequency not consistent with disease.